The following is an entry in ClinVar:

NM_004006.3(DMD):c.10798-11G>A

Gene: DMD (dystrophin; minus strand). Cytogenetic location: Xp21.2.
Variant type: single nucleotide variant.
Coding change: c.10798-11G>A on transcript NM_004006.3 (MANE Select); 11 bases into the intron before coding-DNA position 10798, G replaced by A.
Molecular consequence: intron variant.
Genome position (GRCh38, 1-based): chrX:31,146,425, C>T on the plus strand (G>A on the coding strand, the complement: DMD is on the minus strand). VCF-style: chrX-31146425-C-T. GRCh37 (hg19) VCF-style: chrX-31164542-C-T.
Other names: c.10774-11G>A (NM_000109.4); c.6775-11G>A (NM_004011.4); c.6766-11G>A (NM_004012.4); c.3088-11G>A (NM_004023.3, NM_004020.4); c.3379-11G>A (NM_004022.3); c.3418-11G>A (NM_004021.3, NM_004013.3); c.2611-11G>A (NM_004014.3); c.1555-11G>A (NM_004018.3, NM_004017.3); and 3 more.
Identifiers: ClinVar variation 1501772 (VCV001501772.6), dbSNP rs2147922901, ClinGen allele CA2573158609.

ClinVar aggregate classification (germline): Uncertain significance (1 of 4 stars; one submission).

Conditions:
Duchenne muscular dystrophy (DMD). Also called: Duchenne Muscular Dystrophy (DMD); MUSCULAR DYSTROPHY, PSEUDOHYPERTROPHIC PROGRESSIVE, DUCHENNE TYPE. Identifiers: Orphanet 98896, MedGen C0013264, MONDO:0010679, OMIM 310200.

Submission:

Labcorp Genetics (formerly Invitae), Labcorp
Classification: Uncertain significance for Duchenne muscular dystrophy. Last evaluated: 2022-07-26. Review status: criteria provided, single submitter. Criteria: Invitae Variant Classification Sherloc (09022015). Collection method: clinical testing. Allele origin: germline.
Comment: ClinVar contains an entry for this variant (Variation ID: 1501772). In summary, the available evidence is currently insufficient to determine the role of this variant in disease. Therefore, it has been classified as a Variant of Uncertain Significance. Algorithms developed to predict the effect of sequence changes on RNA splicing suggest that this variant may disrupt the consensus splice site. This variant has not been reported in the literature in individuals affected with DMD-related conditions. This variant is not present in population databases (gnomAD no frequency). This sequence change falls in intron 75 of the DMD gene. It does not directly change the encoded amino acid sequence of the DMD protein.